The following is an entry in ClinVar:

NM_001009944.3(PKD1):c.9974T>C (p.Val3325Ala)

Gene: PKD1 (polycystin 1, transient receptor potential channel interacting; minus strand). Cytogenetic location: 16p13.3.
Variant type: single nucleotide variant.
Coding change: c.9974T>C on transcript NM_001009944.3 (MANE Select); coding-DNA position 9974, T replaced by C.
Protein change: p.Val3325Ala; replaces valine 3325 with alanine.
Molecular consequence: missense variant.
Genome position (GRCh38, 1-based): chr16:2,099,720, A>G on the plus strand (T>C on the coding strand, the complement: PKD1 is on the minus strand). VCF-style: chr16-2099720-A-G. GRCh37 (hg19) VCF-style: chr16-2149721-A-G.
Other names: c.9974T>C, p.Val3325Ala (NM_000296.4); short protein forms V3325A.
Identifiers: ClinVar variation 4887141 (VCV004887141.1).

ClinVar aggregate classification (germline): Uncertain significance (1 of 4 stars; one submission).

Submission:

Women's Health and Genetics/Laboratory Corporation of America, LabCorp
Classification: Uncertain significance. Last evaluated: 2026-06-30. Review status: criteria provided, single submitter. Criteria: LabCorp Variant Classification Summary - May 2015. Collection method: clinical testing. Allele origin: germline.
Comment: Variant summary: PKD1 c.9974T>C (p.Val3325Ala) results in a non-conservative amino acid change in the encoded protein sequence. Algorithms developed to predict the effect of missense changes on protein structure and function are either unavailable or do not agree on the potential impact of this missense change. The frequency data for this variant in gnomAD is considered unreliable, as metrics indicate poor data quality at this position. To our knowledge, no occurrence of c.9974T>C in individuals affected with PKD1-related conditions and no experimental evidence demonstrating its impact on protein function have been reported. No submitters have cited clinical-significance assessments for this variant to ClinVar. Based on the evidence outlined above, the variant was classified as uncertain significance.